The following is an entry in ClinVar:

NM_032520.5(GNPTG):c.111-5C>G

Gene: GNPTG (N-acetylglucosamine-1-phosphate transferase subunit gamma; plus strand). Cytogenetic location: 16p13.3.
Variant type: single nucleotide variant.
Coding change: c.111-5C>G on transcript NM_032520.5 (MANE Select); 5 bases into the intron before coding-DNA position 111, C replaced by G.
Molecular consequence: intron variant.
Genome position (GRCh38, 1-based): chr16:1,352,234, C>G. VCF-style: chr16-1352234-C-G. GRCh37 (hg19) VCF-style: chr16-1402235-C-G.
Identifiers: ClinVar variation 2196371 (VCV002196371.4), dbSNP rs927145995, ClinGen allele CA276642877.

ClinVar aggregate classification (germline): Uncertain significance (1 of 4 stars; one submission).

Allele frequency attached by ClinVar (database versions not stated): gnomAD 0.00001; TOPMed 0.00002.

Submission:

Labcorp Genetics (formerly Invitae), Labcorp
Classification: Uncertain significance. Last evaluated: 2024-01-29. Review status: criteria provided, single submitter. Criteria: Invitae Variant Classification Sherloc (09022015). Collection method: clinical testing. Allele origin: germline.
Comment: This sequence change falls in intron 2 of the GNPTG gene. It does not directly change the encoded amino acid sequence of the GNPTG protein. This variant is not present in population databases (gnomAD no frequency). This variant has not been reported in the literature in individuals affected with GNPTG-related conditions. ClinVar contains an entry for this variant (Variation ID: 2196371). Algorithms developed to predict the effect of sequence changes on RNA splicing suggest that this variant may disrupt the consensus splice site. In summary, the available evidence is currently insufficient to determine the role of this variant in disease. Therefore, it has been classified as a Variant of Uncertain Significance.